The following is an entry in ClinVar:

NM_145068.4(TRPV3):c.2077C>T (p.Arg693Cys)

Gene: TRPV3 (transient receptor potential cation channel subfamily V member 3; minus strand). Cytogenetic location: 17p13.2.
Variant type: single nucleotide variant.
Coding change: c.2077C>T on transcript NM_145068.4 (MANE Select); coding-DNA position 2077, C replaced by T.
Protein change: p.Arg693Cys; replaces arginine 693 with cysteine.
Molecular consequence: missense variant.
Genome position (GRCh38, 1-based): chr17:3,518,584, G>A on the plus strand (C>T on the coding strand, the complement: TRPV3 is on the minus strand). VCF-style: chr17-3518584-G-A. GRCh37 (hg19) VCF-style: chr17-3421878-G-A.
Other names: c.2077C>T, p.Arg693Cys (NM_001258205.2); short protein forms R693C.
Identifiers: ClinVar variation 4293975 (VCV004293975.1).

ClinVar aggregate classification (germline): Uncertain significance (1 of 4 stars; one submission).

Conditions:
Isolated focal non-epidermolytic palmoplantar keratoderma. Also called: Palmoplantar keratoderma, nonepidermolytic, focal 2. Identifiers: Orphanet 448264, MedGen C4225339, MONDO:0014622, OMIM 616400.

gnomAD v4.1: 30 of 1,554,510 alleles (0.0019%); highest among the groups gnomAD compares: Middle Eastern, 0.017%; no homozygotes.

Submission:

3billion
Classification: Uncertain significance for Isolated focal non-epidermolytic palmoplantar keratoderma. Last evaluated: 2024-08-14. Review status: criteria provided, single submitter. Criteria: ACMG Guidelines, 2015. Collection method: clinical testing. Allele origin: germline. Affected: yes.
Comment: The variant is observed at an extremely low frequency in the gnomAD v4.0.0 dataset (total allele frequency: 0.002%). Predicted Consequence/Location: Missense changes are a common disease-causing mechanism. In silico tool predictions suggest damaging effect of the variant on gene or gene product [REVEL: 0.65 (>=0.6, sensitivity 0.68 and specificity 0.92); 3Cnet: 0.02 (>=0.6, sensitivity 0.72 and precision 0.9)]. Therefore, this variant is classified as VUS according to the recommendation of ACMG/AMP guideline.